The following is an entry in ClinVar:

NM_177438.3(DICER1):c.*1575A>G

Gene: DICER1 (dicer 1, ribonuclease III; minus strand). Cytogenetic location: 14q32.13.
Variant type: single nucleotide variant.
Coding change: c.*1575A>G on transcript NM_177438.3 (MANE Select); 1575 bases downstream of the stop codon, A replaced by G.
Molecular consequence: 3 prime UTR variant.
Genome position (GRCh38, 1-based): chr14:95,088,923, T>C on the plus strand (A>G on the coding strand, the complement: DICER1 is on the minus strand). VCF-style: chr14-95088923-T-C. GRCh37 (hg19) VCF-style: chr14-95555260-T-C.
Other names: c.*1691A>G (NM_001195573.1); c.*1575A>G (NM_001271282.3, NM_001291628.2, NM_030621.4).
Identifiers: ClinVar variation 315076 (VCV000315076.31), dbSNP rs190465278, ClinGen allele CA10635613.

ClinVar aggregate classification (germline): Benign. Review status: criteria provided, multiple submitters, no conflicts (2 of 4 stars). 3 submissions from 3 submitters: Benign (3). Last evaluated 2023-06-01.

Conditions:
DICER1-related tumor predisposition. Also called: DICER1 syndrome; DICER1-related pleuropulmonary blastoma cancer predisposition syndrome. Identifiers: Orphanet 284343, MedGen C3839822, MONDO:0100216.

Allele frequency attached by ClinVar (database versions not stated): 1000 Genomes Project 30x 0.00250; 1000 Genomes Project 0.00280; gnomAD 0.00406 and 0.00407; TOPMed 0.00435; gnomAD exomes 0.00564.
gnomAD v4.1: 1,073 of 233,670 alleles (0.46%); highest among the groups gnomAD compares: Non-Finnish European, 0.74%; 4 homozygotes.

Submissions (3):

CeGaT Center for Human Genetics Tuebingen
Classification: Benign. Last evaluated: 2023-06-01. Review status: criteria provided, single submitter. Criteria: CeGaT Center For Human Genetics Tuebingen Variant Classification Criteria Version 2. Collection method: clinical testing. Allele origin: germline. Affected: yes. Observed: 2 variant alleles.
Comment: DICER1: BS1, BS2

Illumina Laboratory Services, Illumina
Classification: Benign for Pleuropulmonary blastoma. Last evaluated: 2018-01-13. Review status: criteria provided, single submitter. Criteria: ICSL Variant Classification Criteria 13 December 2019. Collection method: clinical testing. Allele origin: germline.
Comment: This variant was observed in the ICSL laboratory as part of a predisposition screen in an ostensibly healthy population. It had not been previously curated by ICSL or reported in the Human Gene Mutation Database (HGMD: prior to June 1st, 2018), and was therefore a candidate for classification through an automated scoring system. Utilizing variant allele frequency, disease prevalence and penetrance estimates, and inheritance mode, an automated score was calculated to assess if this variant is too frequent to cause the disease. Based on the score and internal cut-off values, a variant classified as benign is not then subjected to further curation. The score for this variant resulted in a classification of benign for this disease.

Breakthrough Genomics
Classification: Benign. Review status: criteria provided, single submitter. Criteria: ACMG Guidelines, 2015. Collection method: not provided. Allele origin: germline. Inheritance: Autosomal dominant inheritance. Affected: yes.